The following is an entry in ClinVar:

NM_001278512.2(AP3B2):c.2765T>C (p.Ile922Thr)

Genes: AP3B2 (adaptor related protein complex 3 subunit beta 2; minus strand), CPEB1-AS1 (CPEB1 antisense RNA 1; plus strand). Cytogenetic location: 15q25.2.
Variant type: single nucleotide variant.
Coding change: c.2765T>C on transcript NM_001278512.2 (MANE Select); coding-DNA position 2765, T replaced by C.
Protein change: p.Ile922Thr; replaces isoleucine 922 with threonine.
Molecular consequence: missense variant.
Genome position (GRCh38, 1-based): chr15:82,662,762, A>G on the plus strand (T>C on the coding strand, the complement: AP3B2 is on the minus strand). VCF-style: chr15-82662762-A-G. GRCh37 (hg19) VCF-style: chr15-83331514-A-G.
Other names: c.2612T>C, p.Ile871Thr (NM_001278511.2); c.2708T>C, p.Ile903Thr (NM_004644.5); short protein forms I922T, I871T, I903T.
Identifiers: ClinVar variation 1430270 (VCV001430270.8), dbSNP rs1208565590, ClinGen allele CA393308317.

ClinVar aggregate classification (germline): Uncertain significance (1 of 4 stars; one submission).

Allele frequency attached by ClinVar (database versions not stated): gnomAD exomes 0.00001; TOPMed 0.00001.
gnomAD v4.1: 10 of 1,613,896 alleles (0.00062%); highest among the groups gnomAD compares: Non-Finnish European, 0.00085%; no homozygotes.

Submission:

Labcorp Genetics (formerly Invitae), Labcorp
Classification: Uncertain significance. Last evaluated: 2021-05-29. Review status: criteria provided, single submitter. Criteria: Invitae Variant Classification Sherloc (09022015). Collection method: clinical testing. Allele origin: germline.
Comment: This variant has not been reported in the literature in individuals with AP3B2-related conditions. This variant is not present in population databases (ExAC no frequency). This sequence change replaces isoleucine with threonine at codon 903 of the AP3B2 protein (p.Ile903Thr). The isoleucine residue is moderately conserved and there is a moderate physicochemical difference between isoleucine and threonine. Algorithms developed to predict the effect of missense changes on protein structure and function (SIFT, PolyPhen-2, Align-GVGD) all suggest that this variant is likely to be tolerated, but these predictions have not been confirmed by published functional studies and their clinical significance is uncertain. In summary, the available evidence is currently insufficient to determine the role of this variant in disease. Therefore, it has been classified as a Variant of Uncertain Significance.